The following is an entry in ClinVar:

NM_058216.3(RAD51C):c.1116A>C (p.Pro372=)

Gene: RAD51C (RAD51 paralog C; plus strand). Cytogenetic location: 17q22.
Variant type: single nucleotide variant.
Coding change: c.1116A>C on transcript NM_058216.3 (MANE Select); coding-DNA position 1116, A replaced by C.
Protein change: p.Pro372=; no amino-acid change (proline 372 retained).
Molecular consequence: synonymous variant. On other transcripts: non-coding transcript variant (1).
Genome position (GRCh38, 1-based): chr17:58,734,207, A>C. VCF-style: chr17-58734207-A-C. GRCh37 (hg19) VCF-style: chr17-56811568-A-C.
Identifiers: ClinVar variation 3904117 (VCV003904117.2).

ClinVar aggregate classification (germline): Benign/Likely benign. Review status: criteria provided, multiple submitters, no conflicts (2 of 4 stars). 2 submissions from 2 submitters: Benign (1); Likely benign (1). Last evaluated 2025-12-03.

Conditions:
Breast-ovarian cancer, familial, susceptibility to, 3. Also called: RAD51C-Related Breast/Ovarian Cancer. Identifiers: Orphanet 145, MedGen C3150659, MONDO:0013253, OMIM 613399.
Fanconi anemia complementation group O. Also called: RAD51C-Related Fanconi Anemia. Identifiers: Orphanet 84, MedGen C3150653, MONDO:0013248, OMIM 613390.

Submissions (2):

Labcorp Genetics (formerly Invitae), Labcorp
Classification: Likely benign for Fanconi anemia complementation group O. Last evaluated: 2025-12-03. Review status: criteria provided, single submitter. Criteria: Invitae Variant Classification Sherloc (09022015). Collection method: clinical testing. Allele origin: germline.

Myriad Genetics, Inc.
Classification: Benign for Breast-ovarian cancer, familial, susceptibility to, 3. Last evaluated: 2025-02-19. Review status: criteria provided, single submitter. Criteria: Myriad Autosomal Dominant, Autosomal Recessive and X-Linked Classification Criteria (2023). Collection method: clinical testing. Allele origin: unknown.
Comment: This variant is considered benign. This variant is a silent/synonymous amino acid change and it is not expected to impact splicing.